The following is an entry in ClinVar:

NM_000168.6(GLI3):c.1849_1850insTTA (p.Arg617delinsLeuSer)

Gene: GLI3 (GLI family zinc finger 3; minus strand). Cytogenetic location: 7p14.1.
Variant type: Insertion.
Coding change: c.1849_1850insTTA on transcript NM_000168.6 (MANE Select); coding-DNA positions 1849 to 1850, TTA inserted.
Protein change: p.Arg617delinsLeuSer.
Molecular consequence: inframe indel.
Genome position: GRCh38 VCF-style: chr7-41972590-C-CTAA. GRCh37 (hg19) VCF-style: chr7-42012189-C-CTAA.
Other names: c.1849_1850insTTA (NM_000168.5).
Identifiers: ClinVar variation 3755728 (VCV003755728.4).

ClinVar aggregate classification (germline): Conflicting classifications of pathogenicity. Review status: criteria provided, conflicting classifications (1 of 4 stars). 2 submissions from 2 submitters: Likely pathogenic (1); Uncertain significance (1). Last evaluated 2026-09-28.

Conditions:
Greig cephalopolysyndactyly syndrome (GCPS). Also called: Greig syndrome; POLYSYNDACTYLY WITH PECULIAR SKULL SHAPE; GLI3-Related Greig Cephalopolysyndactyly Syndrome. Identifiers: Orphanet 380, MedGen C0265306, MONDO:0008287, OMIM 175700.
Pallister-Hall syndrome (PHS). Also called: HYPOTHALAMIC HAMARTOBLASTOMA, HYPOPITUITARISM, IMPERFORATE ANUS, AND POSTAXIAL POLYDACTYLY; GLI3-Related Pallister-Hall Syndrome. Identifiers: Orphanet 672, MedGen C0265220, MONDO:0007804, OMIM 146510.

Submissions (2):

GeneDx
Classification: Likely pathogenic. Last evaluated: 2026-09-28. Review status: criteria provided, single submitter. Criteria: GeneDx Variant Classification Process June 2021. Collection method: clinical testing. Allele origin: germline.
Comment: Not observed at significant frequency in large population cohorts (gnomAD); In-frame deletion of 1 amino acid and insertion of 2 different amino acids in a non-repeat region; In silico analysis is inconclusive as to whether the variant alters gene splicing. In the absence of RNA/functional studies, the actual effect of this sequence change is unknown.; Has not been previously published as pathogenic or benign to our knowledge

Labcorp Genetics (formerly Invitae), Labcorp
Classification: Uncertain significance for Pallister-Hall syndrome; Greig cephalopolysyndactyly syndrome. Last evaluated: 2024-04-06. Review status: criteria provided, single submitter. Criteria: Invitae Variant Classification Sherloc (09022015). Collection method: clinical testing. Allele origin: germline.
Comment: This variant, c.1849_1850insTTA, is a complex sequence change that results in the deletion of 1 and insertion of 2 amino acid(s) in the GLI3 protein (p.Arg617delinsLeuSer). This variant is not present in population databases (gnomAD no frequency). This variant has not been reported in the literature in individuals affected with GLI3-related conditions. Algorithms developed to predict the effect of sequence changes on RNA splicing suggest that this variant may disrupt the consensus splice site. In summary, the available evidence is currently insufficient to determine the role of this variant in disease. Therefore, it has been classified as a Variant of Uncertain Significance.